The following is an entry in ClinVar:

ClinVar aggregate classification (germline): Pathogenic (1 of 4 stars; one submission).

Submission:

Labcorp Genetics (formerly Invitae), Labcorp
Classification: Pathogenic. Last evaluated: 2025-10-08. Review status: criteria provided, single submitter. Criteria: Invitae Variant Classification Sherloc (09022015). Collection method: clinical testing. Allele origin: germline.
Comment: This sequence change creates a premature translational stop signal (p.Thr298*) in the SMAD2 gene. It is expected to result in an absent or disrupted protein product. Loss-of-function variants in SMAD2 are known to be pathogenic (PMID: 30157302, 40028843). This variant is not present in population databases (gnomAD no frequency). This variant has not been reported in the literature in individuals affected with SMAD2-related conditions. For these reasons, this variant has been classified as Pathogenic.

Literature cited by the submitters: PubMed 30157302; PubMed 40028843.

NM_005901.6(SMAD2):c.891_894del (p.Leu297_Thr298insTer)

Gene: SMAD2 (SMAD family member 2; minus strand). Cytogenetic location: 18q21.1.
Variant type: Microsatellite.
Coding change: c.891_894del on transcript NM_005901.6 (MANE Select); coding-DNA positions 891 to 894, 4 bases deleted (CACT; older notation c.891_894delCACT).
Protein change: p.Leu297_Thr298insTer.
Molecular consequence: frameshift variant.
Genome position (GRCh38, 1-based): chr18:47,848,578-47,848,581, AGTG deleted on the plus strand (CACT on the coding strand, the reverse complement: SMAD2 is on the minus strand); deleting any 4 consecutive bases within chr18:47,848,578-47,848,587 gives the same sequence; the c. name uses the placement nearest the transcript's 3' end. VCF-style (leftmost placement, unchanged base first): chr18-47848577-CAGTG-C. GRCh37 (hg19) VCF-style: chr18-45374948-CAGTG-C.
Other names: c.891_894del, p.Leu297_Thr298insTer (NM_001003652.4); c.801_804del, p.Leu267_Thr268insTer (NM_001135937.3).
Identifiers: ClinVar variation 4725834 (VCV004725834.1).